The following is an entry in ClinVar:

ClinVar aggregate classification (germline): Uncertain significance (1 of 4 stars; one submission).

Conditions:
FG syndrome 1 (OKS). Also called: OPITZ-KAVEGGIA SYNDROME; FG Syndrome Type 1 (FGS1); KELLER SYNDROME; MENTAL RETARDATION, LARGE HEAD, IMPERFORATE ANUS, CONGENITAL HYPOTONIA, AND PARTIAL AGENESIS OF CORPUS CALLOSUM. Identifiers: Orphanet 93932, MedGen C5399762, MONDO:0010590, OMIM 305450.

Submission:

Labcorp Genetics (formerly Invitae), Labcorp
Classification: Uncertain significance for FG syndrome 1. Last evaluated: 2019-12-23. Review status: criteria provided, single submitter. Criteria: Invitae Variant Classification Sherloc (09022015). Collection method: clinical testing. Allele origin: germline.
Comment: This sequence change replaces tyrosine with leucine at codon 2177 of the MED12 protein (p.Tyr2177Leu). The tyrosine residue is highly conserved and there is a small physicochemical difference between tyrosine and leucine. The frequency data for this variant in the population databases is not available, as this variant may be reported as separate entries in the ExAC database. This variant has not been reported in the literature in individuals with MED12-related conditions. Algorithms developed to predict the effect of missense changes on protein structure and function are either unavailable or do not agree on the potential impact of this missense change (SIFT: "Deleterious"; PolyPhen-2: "Not Available"; Align-GVGD: "Class C0"). In summary, the available evidence is currently insufficient to determine the role of this variant in disease. Therefore, it has been classified as a Variant of Uncertain Significance.

NM_005120.3(MED12):c.6529_6530delinsCT (p.Tyr2177Leu)

Gene: MED12 (mediator complex subunit 12; plus strand). Cytogenetic location: Xq13.1.
Variant type: Indel.
Coding change: c.6529_6530delinsCT on transcript NM_005120.3 (MANE Select); coding-DNA positions 6529 to 6530, TA replaced by CT.
Protein change: p.Tyr2177Leu; replaces tyrosine 2177 with leucine.
Molecular consequence: missense variant.
Genome position (GRCh38, 1-based): chrX:71,142,213-71,142,214, TA replaced by CT. VCF-style: chrX-71142213-TA-CT. GRCh37 (hg19) VCF-style: chrX-70362063-TA-CT.
Other names: short protein forms Y2177L.
Identifiers: ClinVar variation 971930 (VCV000971930.1), dbSNP rs2092350107, ClinGen allele CA1139667627.